The following is an entry in ClinVar:

NM_002772.3(TMPRSS15):c.3042A>G (p.Ile1014Met)

Gene: TMPRSS15 (transmembrane serine protease 15; minus strand). Cytogenetic location: 21q21.1.
Variant type: single nucleotide variant.
Coding change: c.3042A>G on transcript NM_002772.3 (MANE Select); coding-DNA position 3042, A replaced by G.
Protein change: p.Ile1014Met; replaces isoleucine 1014 with methionine.
Molecular consequence: missense variant.
Genome position (GRCh38, 1-based): chr21:18,269,987, T>C on the plus strand (A>G on the coding strand, the complement: TMPRSS15 is on the minus strand). VCF-style: chr21-18269987-T-C. GRCh37 (hg19) VCF-style: chr21-19642304-T-C.
Other names: c.3177A>G, p.Ile1059Met (NM_001428056.1); c.3042A>G, p.Ile1014Met (NM_001428057.1); short protein forms I1014M, I1059M.
Identifiers: ClinVar variation 4798358 (VCV004798358.1).
Genomic context (GRCh38, chr21:18,269,987, plus strand): 5'-TGGGAAAATAATGCGACTTTCCTGTTTAGTTTAAGAAATGCGCTAATGTAGAAAACTTTG[T>C]ATCCATTCGGTAAACCTTGAGACCCTGGCATACACTCCGGGGCGATTAGGCAGGGCACAC-3'
Protein context (NP_002763.3, residues 1004-1019): YARVSRFTEW[Ile1014Met]QSFLH

ClinVar aggregate classification (germline): Uncertain significance (1 of 4 stars; one submission).

gnomAD v4.1: 12 of 1,613,928 alleles (0.00074%); highest among the groups gnomAD compares: Non-Finnish European, 0.001%; no homozygotes.

Submission:

Labcorp Genetics (formerly Invitae), Labcorp
Classification: Uncertain significance. Last evaluated: 2025-10-10. Review status: criteria provided, single submitter. Criteria: Invitae Variant Classification Sherloc (09022015). Collection method: clinical testing. Allele origin: germline.
Comment: This sequence change replaces isoleucine, which is neutral and non-polar, with methionine, which is neutral and non-polar, at codon 1014 of the TMPRSS15 protein (p.Ile1014Met). This variant is not present in population databases (gnomAD no frequency). This variant has not been reported in the literature in individuals affected with TMPRSS15-related conditions. An algorithm developed to predict the effect of missense changes on protein structure and function (PolyPhen-2) suggests that this variant is likely to be disruptive. In summary, the available evidence is currently insufficient to determine the role of this variant in disease. Therefore, it has been classified as a Variant of Uncertain Significance.